The following is an entry in ClinVar:

ClinVar aggregate classification (germline): Uncertain significance (1 of 4 stars; one submission).

Allele frequency attached by ClinVar (database versions not stated): ExAC 0.00001; gnomAD exomes 0.00001.
gnomAD v4.1: 10 of 1,614,162 alleles (0.00062%); highest among the groups gnomAD compares: Non-Finnish European, 0.00085%; no homozygotes.

Submission:

Labcorp Genetics (formerly Invitae), Labcorp
Classification: Uncertain significance. Last evaluated: 2024-11-18. Review status: criteria provided, single submitter. Criteria: Invitae Variant Classification Sherloc (09022015). Collection method: clinical testing. Allele origin: germline.
Comment: This sequence change replaces valine, which is neutral and non-polar, with methionine, which is neutral and non-polar, at codon 1934 of the MYH3 protein (p.Val1934Met). This variant is present in population databases (rs770223770, gnomAD 0.0009%). This variant has not been reported in the literature in individuals affected with MYH3-related conditions. ClinVar contains an entry for this variant (Variation ID: 2061705). Invitae Evidence Modeling of protein sequence and biophysical properties (such as structural, functional, and spatial information, amino acid conservation, physicochemical variation, residue mobility, and thermodynamic stability) indicates that this missense variant is not expected to disrupt MYH3 protein function with a negative predictive value of 95%. In summary, the available evidence is currently insufficient to determine the role of this variant in disease. Therefore, it has been classified as a Variant of Uncertain Significance.

NM_002470.4(MYH3):c.5800G>A (p.Val1934Met)

Gene: MYH3 (myosin heavy chain 3; minus strand). Cytogenetic location: 17p13.1.
Variant type: single nucleotide variant.
Coding change: c.5800G>A on transcript NM_002470.4 (MANE Select); coding-DNA position 5800, G replaced by A.
Protein change: p.Val1934Met; replaces valine 1934 with methionine.
Molecular consequence: missense variant.
Genome position (GRCh38, 1-based): chr17:10,628,676, C>T on the plus strand (G>A on the coding strand, the complement: MYH3 is on the minus strand). VCF-style: chr17-10628676-C-T. GRCh37 (hg19) VCF-style: chr17-10531993-C-T.
Other names: short protein forms V1934M.
Identifiers: ClinVar variation 2061705 (VCV002061705.4), dbSNP rs770223770, ClinGen allele CA8391774.